The following is an entry in ClinVar:

NM_017514.5(PLXNA3):c.1268G>A (p.Arg423His)

Gene: PLXNA3 (plexin A3; plus strand). Cytogenetic location: Xq28.
Variant type: single nucleotide variant.
Coding change: c.1268G>A on transcript NM_017514.5 (MANE Select); coding-DNA position 1268, G replaced by A.
Protein change: p.Arg423His; replaces arginine 423 with histidine.
Molecular consequence: missense variant.
Genome position (GRCh38, 1-based): chrX:154,462,261, G>A. VCF-style: chrX-154462261-G-A. GRCh37 (hg19) VCF-style: chrX-153690601-G-A.
Other names: short protein forms R423H.
Identifiers: ClinVar variation 2267634 (VCV002267634.4), dbSNP rs139368340, ClinGen allele CA10563968.

ClinVar aggregate classification (germline): Likely benign. Review status: criteria provided, single submitter (1 of 4 stars). 2 submissions from 2 submitters: Likely benign (1). 1 of the submissions does not count toward it. Last evaluated 2022-02-10.

Conditions:
PLXNA3-related disorder. Also called: PLXNA3-related condition.

Allele frequency attached by ClinVar (database versions not stated): TOPMed 0.00032; gnomAD 0.00044; ExAC 0.00047; gnomAD exomes 0.00048; ESP Exome Variant Server 0.00066.
gnomAD v4.1: 553 of 1,184,126 alleles (0.047%); highest among the groups gnomAD compares: Non-Finnish European, 0.055%; no homozygotes.

Submissions (2):

Ambry Genetics
Classification: Likely benign. Last evaluated: 2022-02-10. Review status: criteria provided, single submitter. Criteria: Ambry Variant Classification Scheme 2023. Collection method: clinical testing. Allele origin: germline.

PreventionGenetics, part of Exact Sciences
Classification: Likely benign for PLXNA3-related condition. Last evaluated: 2021-08-31. Review status: no assertion criteria provided. Collection method: clinical testing. Allele origin: germline. Not counted in ClinVar's aggregate classification.
Comment: This variant is classified as likely benign based on ACMG/AMP sequence variant interpretation guidelines (Richards et al. 2015 PMID: 25741868, with internal and published modifications).